The following is an entry in ClinVar:

NM_001365999.1(SZT2):c.8413C>T (p.Arg2805Cys)

Gene: SZT2 (SZT2 subunit of KICSTOR complex; plus strand). Cytogenetic location: 1p34.2.
Variant type: single nucleotide variant.
Coding change: c.8413C>T on transcript NM_001365999.1 (MANE Select); coding-DNA position 8413, C replaced by T.
Protein change: p.Arg2805Cys; replaces arginine 2805 with cysteine.
Molecular consequence: missense variant.
Genome position (GRCh38, 1-based): chr1:43,443,080, C>T. VCF-style: chr1-43443080-C-T. GRCh37 (hg19) VCF-style: chr1-43908751-C-T.
Other names: c.8242C>T, p.Arg2748Cys (NM_015284.4); c.8242C>T (NM_015284.3); short protein forms R2748C, R2805C.
Identifiers: ClinVar variation 1009695 (VCV001009695.5), dbSNP rs768283714, ClinGen allele CA810526.

ClinVar aggregate classification (germline): Uncertain significance. Review status: criteria provided, multiple submitters, no conflicts (2 of 4 stars). 3 submissions from 3 submitters: Uncertain significance (3). Last evaluated 2023-04-11.

Conditions:
Inborn genetic diseases. Identifiers: MedGen C0950123, MeSH D030342.
Developmental and epileptic encephalopathy, 18 (DEE18). Also called: Early infantile epileptic encephalopathy 18. Identifiers: Orphanet 369894, MedGen C3809624, MONDO:0014201, OMIM 615476.

Allele frequency attached by ClinVar (database versions not stated): gnomAD 0.00001; gnomAD exomes 0.00001; TOPMed 0.00001; ExAC 0.00002.
gnomAD v4.1: 15 of 1,611,142 alleles (0.00093%); highest among the groups gnomAD compares: East Asian, 0.0045%; no homozygotes.

Submissions (3):

Genome-Nilou Lab
Classification: Uncertain significance for Developmental and epileptic encephalopathy, 18. Last evaluated: 2023-04-11. Review status: criteria provided, single submitter. Criteria: ACMG Guidelines, 2015. Collection method: clinical testing. Allele origin: germline. Affected: no.

Labcorp Genetics (formerly Invitae), Labcorp
Classification: Uncertain significance. Last evaluated: 2021-12-15. Review status: criteria provided, single submitter. Criteria: Invitae Variant Classification Sherloc (09022015). Collection method: clinical testing. Allele origin: germline.
Comment: This sequence change replaces arginine, which is basic and polar, with cysteine, which is neutral and slightly polar, at codon 2748 of the SZT2 protein (p.Arg2748Cys). This variant is present in population databases (rs768283714, gnomAD 0.006%). This variant has not been reported in the literature in individuals affected with SZT2-related conditions. ClinVar contains an entry for this variant (Variation ID: 1009695). Algorithms developed to predict the effect of missense changes on protein structure and function (SIFT, PolyPhen-2, Align-GVGD) all suggest that this variant is likely to be disruptive. In summary, the available evidence is currently insufficient to determine the role of this variant in disease. Therefore, it has been classified as a Variant of Uncertain Significance.

Ambry Genetics
Classification: Uncertain significance for Inborn genetic diseases. Last evaluated: 2021-07-20. Review status: criteria provided, single submitter. Criteria: Ambry Variant Classification Scheme 2023. Collection method: clinical testing. Allele origin: germline.